The following is an entry in ClinVar:

NM_000545.8(HNF1A):c.216C>T (p.Asp72=)

Gene: HNF1A (HNF1 homeobox A; plus strand). Cytogenetic location: 12q24.31.
Variant type: single nucleotide variant.
Coding change: c.216C>T on transcript NM_000545.8 (MANE Select); coding-DNA position 216, C replaced by T.
Protein change: p.Asp72=; no amino-acid change (aspartic acid 72 retained).
Molecular consequence: synonymous variant.
Genome position (GRCh38, 1-based): chr12:120,978,984, C>T. VCF-style: chr12-120978984-C-T. GRCh37 (hg19) VCF-style: chr12-121416787-C-T.
Other names: c.216C>T, p.Asp72= (NM_001306179.2); c.216C>T (NM_000545.6).
Identifiers: ClinVar variation 882462 (VCV000882462.40), dbSNP rs148961412, ClinGen allele CA6831689.

ClinVar aggregate classification (germline): Conflicting classifications of pathogenicity. Review status: criteria provided, conflicting classifications (1 of 4 stars). 7 submissions from 7 submitters: Uncertain significance (1); Benign (1); Likely benign (5). Last evaluated 2025-06-05.

Conditions:
Maturity-onset diabetes of the young (MODY). Also called: Maturity onset diabetes mellitus in young. Identifiers: Orphanet 552, MedGen C0342276, MONDO:0018911, HP:0004904.
Maturity-onset diabetes of the young type 3. Also called: MODY type 3; MODY, type III. Identifiers: Orphanet 552, MedGen C1838100, MeSH C563933, MONDO:0010894, OMIM 600496. Disease mechanism: loss of function.

Allele frequency attached by ClinVar (database versions not stated): gnomAD exomes 0.00001; ExAC 0.00002; gnomAD 0.00002; TOPMed 0.00002; ESP Exome Variant Server 0.00008.
gnomAD v4.1: 29 of 1,607,910 alleles (0.0018%); highest among the groups gnomAD compares: Middle Eastern, 0.016%; no homozygotes.

Submissions (7):

Labcorp Genetics (formerly Invitae), Labcorp
Classification: Likely benign. Last evaluated: 2025-06-05. Review status: criteria provided, single submitter. Criteria: Invitae Variant Classification Sherloc (09022015). Collection method: clinical testing. Allele origin: germline.

Ambry Genetics
Classification: Likely benign for Maturity-onset diabetes of the young. Last evaluated: 2025-02-07. Review status: criteria provided, single submitter. Criteria: Ambry Variant Classification Scheme 2023. Collection method: clinical testing. Allele origin: germline.

Blueprint Genetics
Classification: Likely benign. Last evaluated: 2024-11-22. Review status: criteria provided, single submitter. Criteria: ACMG Guidelines, 2015. Collection method: clinical testing. Allele origin: germline.

Women's Health and Genetics/Laboratory Corporation of America, LabCorp
Classification: Likely benign. Last evaluated: 2023-09-12. Review status: criteria provided, single submitter. Criteria: LabCorp Variant Classification Summary - May 2015. Collection method: clinical testing. Allele origin: germline.

CeGaT Center for Human Genetics Tuebingen
Classification: Likely benign. Last evaluated: 2023-08-01. Review status: criteria provided, single submitter. Criteria: CeGaT Center For Human Genetics Tuebingen Variant Classification Criteria Version 2. Collection method: clinical testing. Allele origin: germline. Affected: yes. Observed: 1 variant allele.
Comment: HNF1A: BP4, BP7

Illumina Laboratory Services, Illumina
Classification: Uncertain significance for Maturity-onset diabetes of the young type 3. Last evaluated: 2018-01-13. Review status: criteria provided, single submitter. Criteria: ICSL Variant Classification Criteria 13 December 2019. Collection method: clinical testing. Allele origin: germline.

Clinical Genomics, Uppaluri K&H Personalized Medicine Clinic
Classification: Benign for Maturity-onset diabetes of the young. Review status: criteria provided, single submitter. Criteria: K & H Uppaluri Personalized Medicine Clinic Variant Classification & Assertion Criteria_Updated V.1. Collection method: research. Allele origin: unknown. Inheritance: Autosomal dominant inheritance.
Comment: Mutations in HNF1A gene can predispose to MODY3. It is associated with both micro and macrovascular complications of diabetes, especially cardiovascular complications. Associated with glucosuria. May respond well to sulfonylureas. However, more evidence is required to confer the association of this particular variant rs148961412 with MODY3.

Literature cited by the submitters: PubMed 31517624 (cited by Clinical Genomics, Uppaluri K&H Personalized Medicine Clinic); PubMed 32395877 (cited by Clinical Genomics, Uppaluri K&H Personalized Medicine Clinic); PubMed 35328643 (cited by Clinical Genomics, Uppaluri K&H Personalized Medicine Clinic); PubMed 35673428 (cited by Clinical Genomics, Uppaluri K&H Personalized Medicine Clinic).